The following is an entry in ClinVar:

ClinVar aggregate classification (germline): Pathogenic (1 of 4 stars; one submission).

Allele frequency attached by ClinVar (database versions not stated): gnomAD exomes below 0.00001; TOPMed below 0.00001.
gnomAD v4.1: 2 of 1,614,204 alleles (0.00012%); highest among the groups gnomAD compares: African/African-American, 0.0013%; no homozygotes.

Submission:

Labcorp Genetics (formerly Invitae), Labcorp
Classification: Pathogenic. Last evaluated: 2026-01-19. Review status: criteria provided, single submitter. Criteria: Invitae Variant Classification Sherloc (09022015). Collection method: clinical testing. Allele origin: germline.
Comment: This sequence change replaces valine, which is neutral and non-polar, with alanine, which is neutral and non-polar, at codon 166 of the UROD protein (p.Val166Ala). This variant is not present in population databases (gnomAD no frequency). This missense change has been observed in individual(s) with autosomal recessive hepatoerythropoietic porphyria (PMID: 20479301). In at least one individual the data is consistent with being in trans (on the opposite chromosome) from a pathogenic variant. It has also been observed to segregate with disease in related individuals. ClinVar contains an entry for this variant (Variation ID: 1455082). Invitae Evidence Modeling of protein sequence and biophysical properties (such as structural, functional, and spatial information, amino acid conservation, physicochemical variation, residue mobility, and thermodynamic stability) indicates that this missense variant is not expected to disrupt UROD protein function with a negative predictive value of 80%. For these reasons, this variant has been classified as Pathogenic.

Literature cited by the submitters: PubMed 20479301.

NM_000374.5(UROD):c.497T>C (p.Val166Ala)

Gene: UROD (uroporphyrinogen decarboxylase; plus strand). Cytogenetic location: 1p34.1.
Variant type: single nucleotide variant.
Coding change: c.497T>C on transcript NM_000374.5 (MANE Select); coding-DNA position 497, T replaced by C.
Protein change: p.Val166Ala; replaces valine 166 with alanine.
Molecular consequence: missense variant. On other transcripts: non-coding transcript variant (3).
Genome position (GRCh38, 1-based): chr1:45,013,931, T>C. VCF-style: chr1-45013931-T-C. GRCh37 (hg19) VCF-style: chr1-45479603-T-C.
Other names: short protein forms V166A.
Identifiers: ClinVar variation 1455082 (VCV001455082.8), dbSNP rs1644826882, ClinGen allele CA340118201.